The following is an entry in ClinVar:

ClinVar aggregate classification (germline): Likely benign. Review status: reviewed by expert panel (3 of 4 stars). 14 submissions from 14 submitters: Likely benign (1). 13 of the submissions do not count toward it. Last evaluated 2017-06-29.

Conditions:
Breast and/or ovarian cancer. Identifiers: MedGen CN221562.
Hereditary cancer-predisposing syndrome. Also called: Hereditary Cancer Syndrome; Tumor predisposition; Neoplastic Syndromes, Hereditary; Hereditary neoplastic syndrome. Identifiers: Orphanet 140162, MedGen C0027672, MeSH D009386, MONDO:0015356.
Hereditary breast ovarian cancer syndrome. Also called: Breast and ovarian cancer; BRCA1- and BRCA2-Associated Hereditary Breast and Ovarian Cancer; Hereditary breast and ovarian cancer; Hereditary breast and ovarian cancer syndrome (HBOC); Hereditary breast and ovarian cancer syndrome; Hereditary breast and/or ovarian cancer syndrome. Identifiers: Orphanet 145, MedGen C0677776, MeSH D061325, MONDO:0003582. Disease mechanism: loss of function.
Breast-ovarian cancer, familial, susceptibility to, 2 (BROVCA2). Also called: BRCA2 Hereditary Breast and Ovarian Cancer. Identifiers: Orphanet 145, MedGen C2675520, MONDO:0012933, OMIM 612555. Disease mechanism: loss of function.
Carcinoma of colon (CRC). Also called: Colonic carcinoma; Colon carcinoma. Identifiers: MedGen C0699790, MONDO:0002032.

Allele frequency attached by ClinVar (database versions not stated): gnomAD exomes 0.00006 and 0.00004; gnomAD 0.00001; ExAC 0.00002; TOPMed 0.00004.
gnomAD v4.1: 89 of 1,610,172 alleles (0.0055%); highest among the groups gnomAD compares: Non-Finnish European, 0.0076%; no homozygotes.

Submissions (14):

Evidence-based Network for the Interpretation of Germline Mutant Alleles (ENIGMA)
Classification: Likely benign for Breast-ovarian cancer, familial, susceptibility to, 2. Last evaluated: 2017-06-29. Review status: reviewed by expert panel. Criteria: ENIGMA BRCA1/2 Classification Criteria (2017-06-29). Collection method: curation. Allele origin: germline.
Comment: Synonymous substitution variant, with low bioinformatic likelihood to result in a splicing aberration (Splicing prior probability 0.02).

Labcorp Genetics (formerly Invitae), Labcorp
Classification: Likely benign for Hereditary breast ovarian cancer syndrome. Last evaluated: 2026-01-20. Review status: criteria provided, single submitter. Criteria: Invitae Variant Classification Sherloc (09022015). Collection method: clinical testing. Allele origin: germline. Not counted in ClinVar's aggregate classification.

CeGaT Center for Human Genetics Tuebingen
Classification: Likely benign. Last evaluated: 2025-07-01. Review status: criteria provided, single submitter. Criteria: CeGaT Center For Human Genetics Tuebingen Variant Classification Criteria Version 2. Collection method: clinical testing. Allele origin: germline. Affected: yes. Observed: 1 variant allele. Not counted in ClinVar's aggregate classification.
Comment: BRCA2: BP4, BP7

Center for Genomic Medicine, Rigshospitalet, Copenhagen University Hospital
Classification: Likely benign. Last evaluated: 2025-03-04. Review status: criteria provided, single submitter. Criteria: ACMG Guidelines, 2015. Collection method: clinical testing. Allele origin: germline. Not counted in ClinVar's aggregate classification.

Women's Health and Genetics/Laboratory Corporation of America, LabCorp
Classification: Likely benign. Last evaluated: 2024-07-08. Review status: criteria provided, single submitter. Criteria: LabCorp Variant Classification Summary - May 2015. Collection method: clinical testing. Allele origin: germline. Not counted in ClinVar's aggregate classification.
Comment: Variant summary: BRCA2 c.441A>G alters a non-conserved nucleotide resulting in a synonymous change. Several computational tools predict a significant impact on normal splicing: Four predict the variant creates a cryptic exonic 3' splice acceptor site. However, the functional studies have reported conflicting results. One reported experimental evidence through a mini-gene assay that this variant affects mRNA splicing leading to the formation of aberrant transcripts (Fraile-Bethencourt_2019), while the other reported no effect on splicing following cDNA analysis of patient blood samples (Wai_2020). The variant allele was found at a frequency of 3.6e-05 in 250978 control chromosomes. The available data on variant occurrences in the general population are insufficient to allow any conclusion about variant significance. c.441A>G has been reported in the literature as a VUS in settings of individuals affected with/undergoing genetic testing for Hereditary Breast And Ovarian Cancer Syndrome (example, Capone_2018, Wai_2020). These report(s) do not provide unequivocal conclusions about association of the variant with Hereditary Breast And Ovarian Cancer Syndrome. At-least one co-occurrence with another pathogenic variant(s) have been observed in the BIC database (BRCA1 c.2389_2390delGA, p.Glu797fs), providing supporting evidence for a benign role. To our knowledge, no experimental evidence demonstrating an impact on protein function has been reported. The following publications have been ascertained in the context of this evaluation (PMID: 29061375, 30883759, 21523855, 32123317). ClinVar contains an entry for this variant (Variation ID: 51645). Based on the evidence outlined above, the variant was classified as likely benign.

All of Us Research Program, National Institutes of Health
Classification: Likely benign for Breast-ovarian cancer, familial, susceptibility to, 2. Last evaluated: 2023-12-18. Review status: criteria provided, single submitter. Criteria: ACMG Guidelines, 2015. Collection method: clinical testing. Allele origin: germline. Inheritance: Autosomal dominant inheritance. Observed: 7 variant alleles, 7 heterozygotes. Not counted in ClinVar's aggregate classification.
Comment: This study involves interpretation of variants in research participants for the purpose of population health screening. Participant phenotype was not available at the time of variant classification. Additional details can be found in publication PMID: 35346344, PMCID: PMC8962531

Quest Diagnostics Nichols Institute San Juan Capistrano
Classification: Likely benign. Last evaluated: 2023-10-06. Review status: criteria provided, single submitter. Criteria: Quest Diagnostics criteria. Collection method: clinical testing. Allele origin: unknown. Not counted in ClinVar's aggregate classification.

CHEO Genetics Diagnostic Laboratory, Children's Hospital of Eastern Ontario
Classification: Likely benign for Breast and/or ovarian cancer. Last evaluated: 2022-10-19. Review status: criteria provided, single submitter. Criteria: ACMG Guidelines, 2015. Collection method: clinical testing. Allele origin: germline. Not counted in ClinVar's aggregate classification.

GeneDx
Classification: Likely benign. Last evaluated: 2019-05-08. Review status: criteria provided, single submitter. Criteria: GeneDx Variant Classification Process June 2021. Collection method: clinical testing. Allele origin: germline. Affected: yes. Not counted in ClinVar's aggregate classification.
Comment: This variant is associated with the following publications: (PMID: 20492709, 21523855, 10923033, 30883759, 32123317)

Color Diagnostics, LLC DBA Color Health
Classification: Likely benign for Hereditary cancer-predisposing syndrome. Last evaluated: 2015-10-21. Review status: criteria provided, single submitter. Criteria: ACMG Guidelines, 2015. Collection method: clinical testing. Allele origin: germline. Not counted in ClinVar's aggregate classification.

Ambry Genetics
Classification: Likely benign for Hereditary cancer-predisposing syndrome. Last evaluated: 2014-10-06. Review status: criteria provided, single submitter. Criteria: Ambry Variant Classification Scheme 2023. Collection method: clinical testing. Allele origin: germline. Not counted in ClinVar's aggregate classification.

Sharing Clinical Reports Project (SCRP)
Classification: Benign for Breast-ovarian cancer, familial 2. Last evaluated: 2012-05-01. Review status: no assertion criteria provided. Collection method: clinical testing. Allele origin: germline. Not counted in ClinVar's aggregate classification.

Breast Cancer Information Core (BIC) (BRCA2)
Classification: Uncertain significance for Breast-ovarian cancer, familial 2. Last evaluated: 2004-02-20. Review status: no assertion criteria provided. Collection method: clinical testing. Allele origin: germline. Affected: yes. Observed: 4 variant alleles. Not counted in ClinVar's aggregate classification.

Department of Pathology and Laboratory Medicine, Sinai Health System
Classification: Likely benign for Carcinoma of colon. Review status: no assertion criteria provided. Collection method: clinical testing. Allele origin: unknown. Affected: yes. Study: The Canadian Open Genetics Repository (COGR). Not counted in ClinVar's aggregate classification.
Comment: The BRCA2 p.Gln147= variant was not identified in the literature. The variant was identified in dbSNP (ID: rs80358676) as "With Likely benign, Uncertain significance alleleâ€šÃ„Ã¹, ClinVar (classified as benign by Sharing Clinical Reports Project (SCRP); likely benign by Invitae, GeneDx, Ambry Genetics and two other submitters; as uncertain significance by BIC), LOVD 3.0 (1x as VUS), and in UMD-LSDB (3x as unclassified variant). The variant was identified in control databases in 8 of 245952 chromosomes at a frequency of 0.00003 (Genome Aggregation Database Feb 27, 2017). The variant was observed in the European population in 8 of 111510 chromosomes (freq: 0.00007), while the variant was not observed in the African, Other, Latino, Ashkenazi Jewish, East Asian, Finnish, and South Asian populations. The p.Gln147= variant is not expected to have clinical significance because it does not result in a change of amino acid and is not located in a known consensus splice site. The variant occurs outside of the splicing consensus sequence and 4 of 4 in silico or computational prediction software programs (SpliceSiteFinder, MaxEntScan, NNSPLICE, GeneSplicer) predict a greater than 10% difference in splicing. However, this information is not predictive enough to assume pathogenicity. In summary, based on the above information the clinical significance of this variant cannot be determined with certainty at this time although we would lean towards a more benign role for this variant. This variant is classified as likely benign.

Literature cited by the submitters: PubMed 21523855 (cited by Women's Health and Genetics/Laboratory Corporation of America, LabCorp); PubMed 30883759 (cited by Women's Health and Genetics/Laboratory Corporation of America, LabCorp and Quest Diagnostics Nichols Institute San Juan Capistrano); PubMed 32123317 (cited by Women's Health and Genetics/Laboratory Corporation of America, LabCorp and Quest Diagnostics Nichols Institute San Juan Capistrano); PubMed 29061375 (cited by Women's Health and Genetics/Laboratory Corporation of America, LabCorp and Quest Diagnostics Nichols Institute San Juan Capistrano).

NM_000059.4(BRCA2):c.441A>G (p.Gln147=)

Gene: BRCA2 (BRCA2 DNA repair associated; plus strand). Cytogenetic location: 13q13.1.
Variant type: single nucleotide variant.
Coding change: c.441A>G on transcript NM_000059.4 (MANE Select); coding-DNA position 441, A replaced by G.
Protein change: p.Gln147=; no amino-acid change (glutamine 147 retained).
Molecular consequence: synonymous variant.
Genome position (GRCh38, 1-based): chr13:32,326,116, A>G. VCF-style: chr13-32326116-A-G. GRCh37 (hg19) VCF-style: chr13-32900253-A-G.
Other names: Q147Q; p.Q147Q:CAA>CAG; 669A>G.
Identifiers: ClinVar variation 51645 (VCV000051645.39), dbSNP rs80358676, ClinGen allele CA020158.